The following is an entry in ClinVar:

NM_000278.5(PAX2):c.1021+235T>C

Gene: PAX2 (paired box 2; plus strand). Cytogenetic location: 10q24.31.
Variant type: single nucleotide variant.
Coding change: c.1021+235T>C on transcript NM_000278.5 (MANE Select); 235 bases into the intron after coding-DNA position 1021, T replaced by C.
Molecular consequence: intron variant. On other transcripts: synonymous variant (1).
Genome position (GRCh38, 1-based): chr10:100,824,984, T>C. VCF-style: chr10-100824984-T-C. GRCh37 (hg19) VCF-style: chr10-102584741-T-C.
Other names: c.1104T>C, p.Thr368= (NM_003988.5); c.1114+235T>C (NM_001304569.2); c.1090+235T>C (NM_003987.5, NM_003990.5); c.1021+235T>C (NM_003989.5).
Identifiers: ClinVar variation 1021725 (VCV001021725.8), dbSNP rs1848500707, ClinGen allele CA1931938787.

ClinVar aggregate classification (germline): Uncertain significance (1 of 4 stars; one submission).

Conditions:
Renal coloboma syndrome (PAPRS). Also called: COLOBOMA OF OPTIC NERVE WITH RENAL DISEASE; PAPILLORENAL SYNDROME; PAPILLORENAL SYNDROME WITH MILD OCULAR ABNORMALITIES; CONGENITAL ANOMALIES OF THE KIDNEY AND URINARY TRACT WITH OR WITHOUT OCULAR ABNORMALITIES; CAKUT WITH OR WITHOUT OCULAR ABNORMALITIES; OPTIC COLOBOMA, VESICOURETERAL REFLUX, AND RENAL ANOMALIES. Identifiers: Orphanet 1475, MedGen C1852759, MONDO:0007352, OMIM 120330.
Focal segmental glomerulosclerosis 7 (FSGS7). Identifiers: Orphanet 656, MedGen C4014925, MONDO:0014451, OMIM 616002.

Submission:

Labcorp Genetics (formerly Invitae), Labcorp
Classification: Uncertain significance for Renal coloboma syndrome; Focal segmental glomerulosclerosis 7. Last evaluated: 2022-11-01. Review status: criteria provided, single submitter. Criteria: Invitae Variant Classification Sherloc (09022015). Collection method: clinical testing. Allele origin: germline.
Comment: This sequence change affects codon 368 of the PAX2 mRNA. It is a 'silent' change, meaning that it does not change the encoded amino acid sequence of the PAX2 protein. It affects a nucleotide within the consensus splice site. This variant is not present in population databases (gnomAD no frequency). This variant has not been reported in the literature in individuals affected with PAX2-related conditions. ClinVar contains an entry for this variant (Variation ID: 1021725). Experimental studies and prediction algorithms are not available or were not evaluated, and the functional significance of this variant is currently unknown. Algorithms developed to predict the effect of sequence changes on RNA splicing suggest that this variant is not likely to affect RNA splicing. In summary, the available evidence is currently insufficient to determine the role of this variant in disease. Therefore, it has been classified as a Variant of Uncertain Significance.